The following is an entry in ClinVar:

NM_024656.4(COLGALT1):c.1238T>G (p.Phe413Cys)

Gene: COLGALT1 (collagen beta(1-O)galactosyltransferase 1; plus strand). Cytogenetic location: 19p13.11.
Variant type: single nucleotide variant.
Coding change: c.1238T>G on transcript NM_024656.4 (MANE Select); coding-DNA position 1238, T replaced by G.
Protein change: p.Phe413Cys; replaces phenylalanine 413 with cysteine.
Molecular consequence: missense variant.
Genome position (GRCh38, 1-based): chr19:17,578,061, T>G. VCF-style: chr19-17578061-T-G. GRCh37 (hg19) VCF-style: chr19-17688870-T-G.
Other names: c.1238T>G (NM_024656.2); short protein forms F413C.
Identifiers: ClinVar variation 2170152 (VCV002170152.3), dbSNP rs765093060, ClinGen allele CA9297208.

ClinVar aggregate classification (germline): Uncertain significance. Review status: criteria provided, multiple submitters, no conflicts (2 of 4 stars). 2 submissions from 2 submitters: Uncertain significance (2). Last evaluated 2023-08-04.

Conditions:
Inborn genetic diseases. Identifiers: MedGen C0950123, MeSH D030342.

Allele frequency attached by ClinVar (database versions not stated): gnomAD 0.00001; ExAC 0.00004; TOPMed 0.00006.
gnomAD v4.1: 39 of 1,610,662 alleles (0.0024%); highest among the groups gnomAD compares: Admixed American, 0.04%; no homozygotes.

Submissions (2):

Labcorp Genetics (formerly Invitae), Labcorp
Classification: Uncertain significance. Last evaluated: 2023-08-04. Review status: criteria provided, single submitter. Criteria: Invitae Variant Classification Sherloc (09022015). Collection method: clinical testing. Allele origin: germline.
Comment: In summary, the available evidence is currently insufficient to determine the role of this variant in disease. Therefore, it has been classified as a Variant of Uncertain Significance. Advanced modeling of protein sequence and biophysical properties (such as structural, functional, and spatial information, amino acid conservation, physicochemical variation, residue mobility, and thermodynamic stability) performed at Invitae indicates that this missense variant is expected to disrupt COLGALT1 protein function. ClinVar contains an entry for this variant (Variation ID: 2170152). This variant has not been reported in the literature in individuals affected with COLGALT1-related conditions. This variant is present in population databases (rs765093060, gnomAD 0.05%). This sequence change replaces phenylalanine, which is neutral and non-polar, with cysteine, which is neutral and slightly polar, at codon 413 of the COLGALT1 protein (p.Phe413Cys).

Ambry Genetics
Classification: Uncertain significance for Inborn genetic diseases. Last evaluated: 2021-06-21. Review status: criteria provided, single submitter. Criteria: Ambry Variant Classification Scheme 2023. Collection method: clinical testing. Allele origin: germline.